The following is an entry in ClinVar:

ClinVar aggregate classification (germline): Pathogenic (0 of 4 stars; one submission).

Conditions:
AR-related disorder. Also called: AR-related condition.

Submission:

PreventionGenetics, part of Exact Sciences
Classification: Pathogenic for AR-related condition. Last evaluated: 2024-04-04. Review status: no assertion criteria provided. Collection method: clinical testing. Allele origin: germline.
Comment: The AR c.260dupA variant is predicted to result in a frameshift and premature protein termination (p.Gln88Alafs*6). This variant was reported in an individual with androgen insensitivity syndrome (described as c.617insA, Gottlieb et al. 1999. PubMed ID: 10571951). This variant has not been reported in a large population database, indicating this variant is rare. Frameshift variants in AR are expected to be pathogenic. This variant is interpreted as pathogenic.

NM_000044.6(AR):c.260dup (p.Gln88fs)

Genes: AR (androgen receptor; plus strand), LOC109504725 (androgen receptor repeat instability region; plus strand). Cytogenetic location: Xq12.
Variant type: Duplication.
Coding change: c.260dup on transcript NM_000044.6 (MANE Select); coding-DNA position 260, one base duplicated (A; older notation c.260dupA).
Protein change: p.Gln88fs; shifts the reading frame from glutamine 88.
Molecular consequence: frameshift variant. On other transcripts: 5 prime UTR variant (1).
Genome position (GRCh38, 1-based): chrX:67,545,406, A duplicated. VCF-style (leftmost placement, unchanged base first): chrX-67545405-C-CA. GRCh37 (hg19) VCF-style: chrX-66765247-C-CA.
Other names: c.-1524dup (NM_001011645.3); c.260dup, p.Gln88fs (NM_001348061.1, NM_001348063.1, NM_001348064.1); short protein forms Q88fs.
Identifiers: ClinVar variation 3349323 (VCV003349323.1).